The following is an entry in ClinVar:

ClinVar aggregate classification (germline): Likely pathogenic. Review status: criteria provided, multiple submitters, no conflicts (2 of 4 stars). 2 submissions from 2 submitters: Likely pathogenic (2). Last evaluated 2024-07-10.

Conditions:
Familial adenomatous polyposis 2. Also called: FAP type 2; MUTYH-related attenuated familial adenomatous polyposis; COLORECTAL ADENOMATOUS POLYPOSIS, AUTOSOMAL RECESSIVE; ADENOMAS, MULTIPLE COLORECTAL, AUTOSOMAL RECESSIVE; MUTYH Polyposis; Adenomas, multiple colorectal. Identifiers: Orphanet 220460, Orphanet 247798, MedGen C3272841, MONDO:0012041, OMIM 608456.

Submissions (2):

All of Us Research Program, National Institutes of Health
Classification: Likely pathogenic for Familial adenomatous polyposis 2. Last evaluated: 2024-07-10. Review status: criteria provided, single submitter. Criteria: ACMG Guidelines, 2015. Collection method: clinical testing. Allele origin: germline. Inheritance: Autosomal recessive inheritance. Observed: 1 variant allele, 1 heterozygote.
Comment: This variant deletes 1 nucleotide in exon 15 of the MUTYH gene, causing a frameshift in the penultimate exon that changes the last 49 amino acids and extends the protein by 20 amino acids before introducing a stop codon. This alteration disrupts the conserved proliferating cell nuclear antigen (PCNA) binding domain (a.a. 523-541 based on the NM_001128425.2 transcript) and is expected to impact base excision repair (PMID: 11092888, 11433026, 11864576). This variant has been reported in an individual affected with early-onset breast cancer (PMID: 37096204). Other variants causing a 1-basepair deletion, c.1640del, c.1645del and c.1646del, in the last exon (exon 16) and a similar extension of C-terminus have been reported in individuals affected with MUTYH-associated clinical features (ClinVar accession ID: SCV000253864.8, SCV000676155.5, SCV002703420.2, SCV001481766.1). This variant has not been identified in the general population by the Genome Aggregation Database (gnomAD). Loss of MUTYH function is a known mechanism of disease. Based on the available evidence, this variant is classified as Likely Pathogenic.

This study involves interpretation of variants in research participants for the purpose of population health screening. Participant phenotype was not available at the time of variant classification. Additional details can be found in publication PMID: 35346344, PMCID: PMC8962531

Labcorp Genetics (formerly Invitae), Labcorp
Classification: Likely pathogenic for Familial adenomatous polyposis 2. Last evaluated: 2024-05-02. Review status: criteria provided, single submitter. Criteria: Invitae Variant Classification Sherloc (09022015). Collection method: clinical testing. Allele origin: germline.
Comment: This sequence change results in a frameshift in the MUTYH gene (p.Gln501Argfs*70). While this is not anticipated to result in nonsense mediated decay, it is expected to disrupt the last 49 amino acid(s) of the MUTYH protein and extend the protein by 20 additional amino acid residues. This variant is not present in population databases (gnomAD no frequency). This variant has not been reported in the literature in individuals affected with MUTYH-related conditions. ClinVar contains an entry for this variant (Variation ID: 1949262). This variant disrupts the conserved PCNA binding motif of the MUTYH protein, which has been shown to be critical for MUTYH-PCNA binding and repair efficiency (PMID: 11092888, 26377631, 11433026, 11864576). While functional studies have not been performed to directly test the effect of this variant on MUTYH protein function, this suggests that disruption of this region of the protein is causative of disease. In summary, the currently available evidence indicates that the variant is pathogenic, but additional data are needed to prove that conclusively. Therefore, this variant has been classified as Likely Pathogenic.

Literature cited by the submitters: PubMed 11092888 (cited by All of Us Research Program, National Institutes of Health and Labcorp Genetics (formerly Invitae), Labcorp); PubMed 11433026 (cited by All of Us Research Program, National Institutes of Health and Labcorp Genetics (formerly Invitae), Labcorp); PubMed 11864576 (cited by All of Us Research Program, National Institutes of Health and Labcorp Genetics (formerly Invitae), Labcorp); PubMed 37096204 (cited by All of Us Research Program, National Institutes of Health); PubMed 26377631 (cited by Labcorp Genetics (formerly Invitae), Labcorp).

NM_001048174.2(MUTYH):c.1418del (p.Gln473fs)

Gene: MUTYH (mutY DNA glycosylase; minus strand). Cytogenetic location: 1p34.1.
Variant type: Deletion.
Coding change: c.1418del on transcript NM_001048174.2 (MANE Select); coding-DNA position 1418, one base deleted (A; older notation c.1418delA).
Protein change: p.Gln473fs; shifts the reading frame from glutamine 473.
Molecular consequence: frameshift variant. On other transcripts: non-coding transcript variant (2).
Genome position (GRCh38, 1-based): chr1:45,330,532, T deleted on the plus strand (A on the coding strand, the reverse complement: MUTYH is on the minus strand). VCF-style (leftmost placement, unchanged base first): chr1-45330531-CT-C. GRCh37 (hg19) VCF-style: chr1-45796203-CT-C.
Other names: c.1418del, p.Gln473fs (NM_001048171.2, NM_001048173.2, NM_001293195.2); c.1421del, p.Gln474fs (NM_001048172.2); c.1502del, p.Gln501fs (NM_001128425.2); c.1463del, p.Gln488fs (NM_001293190.2); c.1451del, p.Gln484fs (NM_001293191.2); c.1142del, p.Gln381fs (NM_001293192.2, NM_001293196.2); c.1073del, p.Gln358fs (NM_001350650.2, NM_001350651.2); c.1451delA, p.Gln484Argfs (NM_001407069.1, NM_001407077.1); and 10 more; short protein forms Q473fs, Q498fs, Q484fs, Q474fs, Q358fs, Q381fs, Q488fs, Q501fs.
Identifiers: ClinVar variation 1949262 (VCV001949262.6), dbSNP rs2523843503, ClinGen allele CA2580062888.